The following is an entry in ClinVar:

ClinVar aggregate classification (germline): Uncertain significance (1 of 4 stars; one submission).

Conditions:
Severe combined immunodeficiency, autosomal recessive, T cell-negative, B cell-negative, NK cell-negative, due to adenosine deaminase deficiency. Also called: ADA-SCID; ADA deficiency; Adenosine deaminase deficient severe combined immunodeficiency; Severe combined immunodeficiency due to ADA deficiency; Adenosine Deaminase Deficiency; SCID DUE TO ADA DEFICIENCY. Identifiers: Orphanet 277, MedGen C0392607, MONDO:0007064, OMIM 102700.

Submission:

Labcorp Genetics (formerly Invitae), Labcorp
Classification: Uncertain significance for Severe combined immunodeficiency, autosomal recessive, T cell-negative, B cell-negative, NK cell-negative, due to adenosine deaminase deficiency. Last evaluated: 2023-06-19. Review status: criteria provided, single submitter. Criteria: Invitae Variant Classification Sherloc (09022015). Collection method: clinical testing. Allele origin: germline.
Comment: In summary, the available evidence is currently insufficient to determine the role of this variant in disease. Therefore, it has been classified as a Variant of Uncertain Significance. Experimental studies and prediction algorithms are not available or were not evaluated, and the functional significance of this variant is currently unknown. This variant has not been reported in the literature in individuals affected with ADA-related conditions. This variant is a gross deletion of the genomic region encompassing exon(s) 3 of the ADA gene. This variant would be expected to be in-frame, preserving the integrity of the reading frame.

NC_000020.10:g.(?_43257668)_(43257830_?)del

Gene: ADA (adenosine deaminase; minus strand). Cytogenetic location: 20q13.12.
Variant type: Deletion.
Identifiers: ClinVar variation 2422147 (VCV002422147.4).